The following is an entry in ClinVar:

NM_170784.3(MKKS):c.1350T>C (p.Phe450=)

Gene: MKKS (MKKS centrosomal shuttling protein; minus strand). Cytogenetic location: 20p12.2.
Variant type: single nucleotide variant.
Coding change: c.1350T>C on transcript NM_170784.3 (MANE Select); coding-DNA position 1350, T replaced by C.
Protein change: p.Phe450=; no amino-acid change (phenylalanine 450 retained).
Molecular consequence: synonymous variant. On other transcripts: non-coding transcript variant (1).
Genome position (GRCh38, 1-based): chr20:10,405,610, A>G on the plus strand (T>C on the coding strand, the complement: MKKS is on the minus strand). VCF-style: chr20-10405610-A-G. GRCh37 (hg19) VCF-style: chr20-10386258-A-G.
Other names: c.1350T>C, p.Phe450= (NM_018848.3).
Identifiers: ClinVar variation 4979121 (VCV004979121.1).

ClinVar aggregate classification (germline): Likely benign (1 of 4 stars; one submission).

Conditions:
MKKS-related disorder. Also called: MKKS-related condition; MKKS-related disorders.

Submission:

PreventionGenetics, part of Exact Sciences
Classification: Likely benign for MKKS-related condition. Last evaluated: 2026-09-08. Review status: criteria provided, single submitter. Criteria: ACMG Guidelines, 2015. Collection method: clinical testing. Allele origin: germline.
Comment: This variant is classified as likely benign based on ACMG/AMP sequence variant interpretation guidelines (Richards et al. 2015 PMID: 25741868, with internal and published modifications).